The following is an entry in ClinVar:

ClinVar aggregate classification (germline): Uncertain significance. Review status: criteria provided, multiple submitters, no conflicts (2 of 4 stars). 2 submissions from 2 submitters: Uncertain significance (2). Last evaluated 2025-10-07.

Conditions:
Arrhythmogenic right ventricular dysplasia 13. Also called: ARRHYTHMOGENIC RIGHT VENTRICULAR CARDIOMYOPATHY 13; Arrhythmogenic right ventricular dysplasia, familial, 13. Identifiers: MedGen C3810138, MONDO:0000908, OMIM 615616.

Submissions (2):

Labcorp Genetics (formerly Invitae), Labcorp
Classification: Uncertain significance for Arrhythmogenic right ventricular dysplasia 13. Last evaluated: 2025-10-07. Review status: criteria provided, single submitter. Criteria: Invitae Variant Classification Sherloc (09022015). Collection method: clinical testing. Allele origin: germline.
Comment: This sequence change replaces aspartic acid, which is acidic and polar, with histidine, which is basic and polar, at codon 608 of the CTNNA3 protein (p.Asp608His). This variant is not present in population databases (gnomAD no frequency). This variant has not been reported in the literature in individuals affected with CTNNA3-related conditions. ClinVar contains an entry for this variant (Variation ID: 3498301). Invitae Evidence Modeling of protein sequence and biophysical properties (such as structural, functional, and spatial information, amino acid conservation, physicochemical variation, residue mobility, and thermodynamic stability) indicates that this missense variant is not expected to disrupt CTNNA3 protein function with a negative predictive value of 80%. In summary, the available evidence is currently insufficient to determine the role of this variant in disease. Therefore, it has been classified as a Variant of Uncertain Significance.

Ambry Genetics
Classification: Uncertain significance. Last evaluated: 2024-09-08. Review status: criteria provided, single submitter. Criteria: Ambry Variant Classification Scheme 2023. Collection method: clinical testing. Allele origin: germline.
Comment: The p.D608H variant (also known as c.1822G>C), located in coding exon 12 of the CTNNA3 gene, results from a G to C substitution at nucleotide position 1822. The aspartic acid at codon 608 is replaced by histidine, an amino acid with similar properties. This amino acid position is conserved. In addition, the in silico prediction for this alteration is inconclusive. Based on the available evidence, the clinical significance of this variant remains unclear.

NM_013266.4(CTNNA3):c.1822G>C (p.Asp608His)

Gene: CTNNA3 (catenin alpha 3; minus strand). Cytogenetic location: 10q21.3.
Variant type: single nucleotide variant.
Coding change: c.1822G>C on transcript NM_013266.4 (MANE Select); coding-DNA position 1822, G replaced by C.
Protein change: p.Asp608His; replaces aspartic acid 608 with histidine.
Molecular consequence: missense variant.
Genome position (GRCh38, 1-based): chr10:66,280,532, C>G on the plus strand (G>C on the coding strand, the complement: CTNNA3 is on the minus strand). VCF-style: chr10-66280532-C-G. GRCh37 (hg19) VCF-style: chr10-68040290-C-G.
Other names: c.1822G>C, p.Asp608His (NM_001127384.3); short protein forms D608H.
Identifiers: ClinVar variation 3498301 (VCV003498301.2).